The following is an entry in ClinVar:

NM_000834.5(GRIN2B):c.3099C>G (p.Ser1033Arg)

Gene: GRIN2B (glutamate ionotropic receptor NMDA type subunit 2B; minus strand). Cytogenetic location: 12p13.1.
Variant type: single nucleotide variant.
Coding change: c.3099C>G on transcript NM_000834.5 (MANE Select); coding-DNA position 3099, C replaced by G.
Protein change: p.Ser1033Arg; replaces serine 1033 with arginine.
Molecular consequence: missense variant.
Genome position (GRCh38, 1-based): chr12:13,564,139, G>C on the plus strand (C>G on the coding strand, the complement: GRIN2B is on the minus strand). VCF-style: chr12-13564139-G-C. GRCh37 (hg19) VCF-style: chr12-13717073-G-C.
Other names: p.S1033R:AGC>AGG; short protein forms S1033R.
Identifiers: ClinVar variation 205717 (VCV000205717.8), dbSNP rs796052575, ClinGen allele CA315062.

ClinVar aggregate classification (germline): Uncertain significance. Review status: criteria provided, multiple submitters, no conflicts (2 of 4 stars). 3 submissions from 3 submitters: Uncertain significance (3). Last evaluated 2023-10-16.

Conditions:
Intellectual developmental disorder, autosomal dominant 6, with or without seizures. Also called: Intellectual disability, autosomal dominant 6; GRIN2B-related developmental delay, intellectual disability and autism spectrum disorder. Identifiers: Orphanet 589547, MedGen C3151411, MONDO:0013509, OMIM 613970.
Developmental and epileptic encephalopathy, 27 (DEE27). Also called: Epileptic encephalopathy, early infantile, 27; GRIN2B-Related Neurodevelopmental Disorder. Identifiers: Orphanet 3451, MedGen C4015316, MONDO:0014505, OMIM 616139.

Allele frequency attached by ClinVar (database versions not stated): gnomAD exomes 0.00001.
gnomAD v4.1: 5 of 1,614,194 alleles (0.00031%); highest among the groups gnomAD compares: South Asian, 0.0055%; no homozygotes.

Submissions (3):

Labcorp Genetics (formerly Invitae), Labcorp
Classification: Uncertain significance for Developmental and epileptic encephalopathy, 27; Intellectual developmental disorder, autosomal dominant 6, with or without seizures. Last evaluated: 2023-10-16. Review status: criteria provided, single submitter. Criteria: Invitae Variant Classification Sherloc (09022015). Collection method: clinical testing. Allele origin: germline.
Comment: This sequence change replaces serine, which is neutral and polar, with arginine, which is basic and polar, at codon 1033 of the GRIN2B protein (p.Ser1033Arg). This variant is present in population databases (rs796052575, gnomAD 0.006%). This variant has not been reported in the literature in individuals affected with GRIN2B-related conditions. ClinVar contains an entry for this variant (Variation ID: 205717). Advanced modeling of protein sequence and biophysical properties (such as structural, functional, and spatial information, amino acid conservation, physicochemical variation, residue mobility, and thermodynamic stability) has been performed at Invitae for this missense variant, however the output from this modeling did not meet the statistical confidence thresholds required to predict the impact of this variant on GRIN2B protein function. In summary, the available evidence is currently insufficient to determine the role of this variant in disease. Therefore, it has been classified as a Variant of Uncertain Significance.

Revvity Omics, Revvity
Classification: Uncertain significance. Last evaluated: 2019-01-23. Review status: criteria provided, single submitter. Criteria: ACMG Guidelines, 2015. Collection method: clinical testing. Allele origin: germline.

GeneDx
Classification: Uncertain significance. Last evaluated: 2014-04-01. Review status: criteria provided, single submitter. Criteria: GeneDx Variant Classification (06012015). Collection method: clinical testing. Allele origin: germline. Affected: yes.
Comment: p.Ser1033Arg (AGC>AGG): c.3099 C>G in exon 13 of the GRIN2B gene (NM_000834.3). The S1033R variant has not been published as a mutation, nor has it been reported as a benign polymorphism to our knowledge. It was not observed in approximately 6,500 individuals of European and African American ancestry in the NHLBI Exome Sequencing Project, indicating it is not a common benign variant in these populations. The S1033R variant is a semi-conservative amino acid substitution, which may impact secondary protein structure as these residues differ in some properties. This substitution occurs at a position that is not conserved across species. In silico analysis is inconsistent in its predictions as to whether or not the variant is damaging to the protein structure/function. Therefore, based on the currently available information, it is unclear whether this variant is a pathogenic mutation or a rare benign variant. The variant is found in EPILEPSY panel(s).